The following is an entry in ClinVar:

ClinVar aggregate classification (germline): Benign. Review status: criteria provided, multiple submitters, no conflicts (2 of 4 stars). 9 submissions from 9 submitters: Benign (6). 3 of the submissions do not count toward it. Last evaluated 2025-04-09.

Conditions:
ALPK3-related disorder. Also called: ALPK3-related condition.

Allele frequency attached by ClinVar (database versions not stated): gnomAD exomes 0.23614 and 0.29254; ESP Exome Variant Server 0.24973; gnomAD 0.27385 and 0.28180; TOPMed 0.28303; ExAC 0.30746; 1000 Genomes Project 30x 0.38804; 1000 Genomes Project 0.39497.
gnomAD v4.1: 385,908 of 1,600,086 alleles (24%); highest among the groups gnomAD compares: East Asian, 55%; 52,825 homozygotes.

Submissions (9):

Molecular Diagnostic Laboratory for Inherited Cardiovascular Disease, Montreal Heart Institute
Classification: Benign. Last evaluated: 2025-04-09. Review status: criteria provided, single submitter. Criteria: ACMG Guidelines, 2015. Collection method: clinical testing. Allele origin: germline. Affected: no.

Blueprint Genetics
Classification: Benign. Last evaluated: 2024-11-27. Review status: criteria provided, single submitter. Criteria: ACMG Guidelines, 2015. Collection method: clinical testing. Allele origin: germline.

Women's Health and Genetics/Laboratory Corporation of America, LabCorp
Classification: Benign. Last evaluated: 2023-04-04. Review status: criteria provided, single submitter. Criteria: LabCorp Variant Classification Summary - May 2015. Collection method: clinical testing. Allele origin: germline.

Mayo Clinic Laboratories, Mayo Clinic
Classification: Benign. Last evaluated: 2022-04-26. Review status: criteria provided, single submitter. Criteria: ACMG Guidelines, 2015. Collection method: clinical testing. Allele origin: germline. Observed: 404 variant alleles.

GeneDx
Classification: Benign. Last evaluated: 2016-09-23. Review status: criteria provided, single submitter. Criteria: GeneDx Variant Classification (06012015). Collection method: clinical testing. Allele origin: germline. Affected: yes.
Comment: This variant is considered likely benign or benign based on one or more of the following criteria: it is a conservative change, it occurs at a poorly conserved position in the protein, it is predicted to be benign by multiple in silico algorithms, and/or has population frequency not consistent with disease.

Breakthrough Genomics
Classification: Benign. Review status: criteria provided, single submitter. Criteria: ACMG Guidelines, 2015. Collection method: not provided. Allele origin: germline. Inheritance: Autosomal recessive inheritance. Affected: yes.

PreventionGenetics, part of Exact Sciences
Classification: Benign for ALPK3-related condition. Last evaluated: 2019-07-15. Review status: no assertion criteria provided. Collection method: clinical testing. Allele origin: germline. Not counted in ClinVar's aggregate classification.
Comment: This variant is classified as benign based on ACMG/AMP sequence variant interpretation guidelines (Richards et al. 2015 PMID: 25741868, with internal and published modifications).

Clinical Genetics DNA and cytogenetics Diagnostics Lab, Erasmus MC, Erasmus Medical Center
Classification: Benign. Review status: no assertion criteria provided. Collection method: clinical testing. Allele origin: germline. Affected: yes. Study: VKGL Data-share Consensus. Not counted in ClinVar's aggregate classification.

Clinical Genetics, Academic Medical Center
Classification: Benign. Review status: no assertion criteria provided. Collection method: clinical testing. Allele origin: germline. Affected: yes. Study: VKGL Data-share Consensus. Not counted in ClinVar's aggregate classification.

NM_020778.5(ALPK3):c.*5C>T

Gene: ALPK3 (alpha kinase 3; plus strand). Cytogenetic location: 15q25.3.
Variant type: single nucleotide variant.
Coding change: c.*5C>T on transcript NM_020778.5 (MANE Select); 5 bases downstream of the stop codon, C replaced by T.
Molecular consequence: 3 prime UTR variant.
Genome position (GRCh38, 1-based): chr15:84,868,461, C>T. VCF-style: chr15-84868461-C-T. GRCh37 (hg19) VCF-style: chr15-85411692-C-T.
Identifiers: ClinVar variation 384676 (VCV000384676.11), dbSNP rs3748380, ClinGen allele CA7710165.